The following is an entry in ClinVar:

ClinVar aggregate classification (germline): Uncertain significance. Review status: criteria provided, multiple submitters, no conflicts (2 of 4 stars). 2 submissions from 2 submitters: Uncertain significance (2). Last evaluated 2026-08-27.

Conditions:
Inborn genetic diseases. Identifiers: MedGen C0950123, MeSH D030342.

Submissions (2):

Ambry Genetics
Classification: Uncertain significance for Inborn genetic diseases. Last evaluated: 2026-08-27. Review status: criteria provided, single submitter. Criteria: Ambry Variant Classification Scheme 2023. Collection method: clinical testing. Allele origin: germline.

Labcorp Genetics (formerly Invitae), Labcorp
Classification: Uncertain significance. Last evaluated: 2024-11-07. Review status: criteria provided, single submitter. Criteria: Invitae Variant Classification Sherloc (09022015). Collection method: clinical testing. Allele origin: germline.
Comment: This sequence change replaces valine, which is neutral and non-polar, with alanine, which is neutral and non-polar, at codon 1182 of the STAG1 protein (p.Val1182Ala). This variant is not present in population databases (gnomAD no frequency). This variant has not been reported in the literature in individuals affected with STAG1-related conditions. Invitae Evidence Modeling of protein sequence and biophysical properties (such as structural, functional, and spatial information, amino acid conservation, physicochemical variation, residue mobility, and thermodynamic stability) indicates that this missense variant is not expected to disrupt STAG1 protein function with a negative predictive value of 95%. In summary, the available evidence is currently insufficient to determine the role of this variant in disease. Therefore, it has been classified as a Variant of Uncertain Significance.

NM_005862.3(STAG1):c.3545T>C (p.Val1182Ala)

Gene: STAG1 (STAG1 cohesin complex component; minus strand). Cytogenetic location: 3q22.3.
Variant type: single nucleotide variant.
Coding change: c.3545T>C on transcript NM_005862.3 (MANE Select); coding-DNA position 3545, T replaced by C.
Protein change: p.Val1182Ala; replaces valine 1182 with alanine.
Molecular consequence: missense variant.
Genome position (GRCh38, 1-based): chr3:136,341,453, A>G on the plus strand (T>C on the coding strand, the complement: STAG1 is on the minus strand). VCF-style: chr3-136341453-A-G. GRCh37 (hg19) VCF-style: chr3-136060295-A-G.
Other names: c.3545T>C (NM_005862.2); short protein forms V1182A.
Identifiers: ClinVar variation 3701668 (VCV003701668.3).